The following is an entry in ClinVar:

NM_002474.3(MYH11):c.1226A>C (p.Gln409Pro)

Gene: MYH11 (myosin heavy chain 11; minus strand). Cytogenetic location: 16p13.11.
Variant type: single nucleotide variant.
Coding change: c.1226A>C on transcript NM_002474.3 (MANE Select); coding-DNA position 1226, A replaced by C.
Protein change: p.Gln409Pro; replaces glutamine 409 with proline.
Molecular consequence: missense variant.
Genome position (GRCh38, 1-based): chr16:15,760,562, T>G on the plus strand (A>C on the coding strand, the complement: MYH11 is on the minus strand). VCF-style: chr16-15760562-T-G. GRCh37 (hg19) VCF-style: chr16-15854419-T-G.
Other names: c.1247A>C, p.Gln416Pro (NM_001040113.2, NM_001040114.2); c.1226A>C, p.Gln409Pro (NM_022844.3); short protein forms Q416P, Q409P.
Identifiers: ClinVar variation 2448068 (VCV002448068.2), dbSNP rs2506411892, ClinGen allele CA394872869.

ClinVar aggregate classification (germline): Uncertain significance (1 of 4 stars; one submission).

Conditions:
Familial thoracic aortic aneurysm and aortic dissection (TAAD). Also called: Thoracic aortic aneurysms and dissections. Identifiers: Orphanet 91387, MedGen C4707243, MONDO:0019625.

Submission:

Ambry Genetics
Classification: Uncertain significance for Familial thoracic aortic aneurysm and aortic dissection. Last evaluated: 2022-11-04. Review status: criteria provided, single submitter. Criteria: Ambry Variant Classification Scheme 2023. Collection method: clinical testing. Allele origin: germline.
Comment: The p.Q409P variant (also known as c.1226A>C), located in coding exon 10 of the MYH11 gene, results from an A to C substitution at nucleotide position 1226. The glutamine at codon 409 is replaced by proline, an amino acid with similar properties. This amino acid position is conserved. In addition, this alteration is predicted to be deleterious by in silico analysis. Since supporting evidence is limited at this time, the clinical significance of this alteration remains unclear.